The following is an entry in ClinVar:

NM_003000.3(SDHB):c.241A>T (p.Asn81Tyr)

Gene: SDHB (succinate dehydrogenase complex iron sulfur subunit B; minus strand). Cytogenetic location: 1p36.13.
Variant type: single nucleotide variant.
Coding change: c.241A>T on transcript NM_003000.3 (MANE Select); coding-DNA position 241, A replaced by T.
Protein change: p.Asn81Tyr; replaces asparagine 81 with tyrosine.
Molecular consequence: missense variant.
Genome position (GRCh38, 1-based): chr1:17,033,105, T>A on the plus strand (A>T on the coding strand, the complement: SDHB is on the minus strand). VCF-style: chr1-17033105-T-A. GRCh37 (hg19) VCF-style: chr1-17359600-T-A.
Other names: short protein forms N81Y.
Identifiers: ClinVar variation 863389 (VCV000863389.11), dbSNP rs1315623287, ClinGen allele CA338276553.

ClinVar aggregate classification (germline): Uncertain significance. Review status: criteria provided, multiple submitters, no conflicts (2 of 4 stars). 3 submissions from 3 submitters: Uncertain significance (3). Last evaluated 2026-04-01.

Conditions:
Hereditary cancer-predisposing syndrome. Also called: Neoplastic Syndromes, Hereditary; Tumor predisposition; Hereditary Cancer Syndrome; Hereditary neoplastic syndrome. Identifiers: Orphanet 140162, MedGen C0027672, MeSH D009386, MONDO:0015356.
Pheochromocytoma/paraganglioma syndrome 4. Also called: CAROTID BODY TUMORS AND MULTIPLE EXTRAADRENAL PHEOCHROMOCYTOMAS; SDHB-Related Hereditary Paraganglioma-Pheochromocytoma Syndrome (Paragangliomas 4); SDHB-Related Hereditary Paraganglioma-Pheochromocytoma Syndrome; PARAGANGLIOMA, FAMILIAL MALIGNANT; PARAGANGLIOMAS, HEREDITARY EXTRAADRENAL; PHEOCHROMOCYTOMA, FAMILIAL EXTRAADRENAL. Identifiers: Orphanet 29072, MedGen C1861848, MONDO:0007273, OMIM 115310.
Gastrointestinal stromal tumor. Also called: Gastrointestinal stromal tumor, somatic; Gastrointestinal stroma tumor. Identifiers: Orphanet 44890, MedGen C0238198, MeSH D046152, MONDO:0011719, OMIM 606764, HP:0100723.
Pheochromocytoma. Also called: MAX-Related Hereditary Paraganglioma-Pheochromocytoma Syndrome. Identifiers: Orphanet 29072, MedGen C0031511, MONDO:0008233, OMIM 171300, HP:0002666.

Allele frequency attached by ClinVar (database versions not stated): gnomAD exomes below 0.00001.
gnomAD v4.1: 1 of 1,613,998 alleles (0.000062%); highest among the groups gnomAD compares: Non-Finnish European, 0.000085%; no homozygotes.

Submissions (3):

Ambry Genetics
Classification: Uncertain significance for Hereditary cancer-predisposing syndrome. Last evaluated: 2026-04-01. Review status: criteria provided, single submitter. Criteria: Ambry Variant Classification Scheme 2023. Collection method: clinical testing. Allele origin: germline.

Labcorp Genetics (formerly Invitae), Labcorp
Classification: Uncertain significance for Gastrointestinal stromal tumor; Pheochromocytoma/paraganglioma syndrome 4; Pheochromocytoma. Last evaluated: 2024-11-11. Review status: criteria provided, single submitter. Criteria: Invitae Variant Classification Sherloc (09022015). Collection method: clinical testing. Allele origin: germline.
Comment: This sequence change replaces asparagine, which is neutral and polar, with tyrosine, which is neutral and polar, at codon 81 of the SDHB protein (p.Asn81Tyr). This variant is present in population databases (no rsID available, gnomAD 0.0009%). This variant has not been reported in the literature in individuals affected with SDHB-related conditions. ClinVar contains an entry for this variant (Variation ID: 863389). Invitae Evidence Modeling of protein sequence and biophysical properties (such as structural, functional, and spatial information, amino acid conservation, physicochemical variation, residue mobility, and thermodynamic stability) indicates that this missense variant is expected to disrupt SDHB protein function with a positive predictive value of 95%. In summary, the available evidence is currently insufficient to determine the role of this variant in disease. Therefore, it has been classified as a Variant of Uncertain Significance.

Baylor Genetics
Classification: Uncertain significance for Gastrointestinal stromal tumor. Last evaluated: 2024-03-09. Review status: criteria provided, single submitter. Criteria: ACMG Guidelines, 2015. Collection method: clinical testing. Allele origin: unknown.